The following is an entry in ClinVar:

NM_006904.7(PRKDC):c.10391A>C (p.Lys3464Thr)

Gene: PRKDC (protein kinase, DNA-activated, catalytic subunit; minus strand). Cytogenetic location: 8q11.21.
Variant type: single nucleotide variant.
Coding change: c.10391A>C on transcript NM_006904.7 (MANE Select); coding-DNA position 10391, A replaced by C.
Protein change: p.Lys3464Thr; replaces lysine 3464 with threonine.
Molecular consequence: missense variant.
Genome position (GRCh38, 1-based): chr8:47,798,304, T>G on the plus strand (A>C on the coding strand, the complement: PRKDC is on the minus strand). VCF-style: chr8-47798304-T-G. GRCh37 (hg19) VCF-style: chr8-48710865-T-G.
Other names: c.10391A>C, p.Lys3464Thr (NM_001081640.2); short protein forms K3464T.
Identifiers: ClinVar variation 1902561 (VCV001902561.5), dbSNP rs759612793, ClinGen allele CA4739331.

ClinVar aggregate classification (germline): Uncertain significance (1 of 4 stars; one submission).

Conditions:
Severe combined immunodeficiency due to DNA-PKcs deficiency. Also called: IMMUNODEFICIENCY 26 WITH NEUROLOGIC ABNORMALITIES; Immunodeficiency 26 with or without neurologic abnormalities. Identifiers: Orphanet 317425, MedGen C4014833, MONDO:0014423, OMIM 615966.

Allele frequency attached by ClinVar (database versions not stated): TOPMed below 0.00001; ExAC 0.00001; gnomAD exomes 0.00001.
gnomAD v4.1: 9 of 1,613,814 alleles (0.00056%); highest among the groups gnomAD compares: Non-Finnish European, 0.00076%; no homozygotes.

Submission:

Labcorp Genetics (formerly Invitae), Labcorp
Classification: Uncertain significance for Severe combined immunodeficiency due to DNA-PKcs deficiency. Last evaluated: 2023-04-09. Review status: criteria provided, single submitter. Criteria: Invitae Variant Classification Sherloc (09022015). Collection method: clinical testing. Allele origin: germline.
Comment: This variant has not been reported in the literature in individuals affected with PRKDC-related conditions. ClinVar contains an entry for this variant (Variation ID: 1902561). Advanced modeling of protein sequence and biophysical properties (such as structural, functional, and spatial information, amino acid conservation, physicochemical variation, residue mobility, and thermodynamic stability) performed at Invitae indicates that this missense variant is expected to disrupt PRKDC protein function. In summary, the available evidence is currently insufficient to determine the role of this variant in disease. Therefore, it has been classified as a Variant of Uncertain Significance. This variant is present in population databases (rs759612793, gnomAD 0.002%). This sequence change replaces lysine, which is basic and polar, with threonine, which is neutral and polar, at codon 3464 of the PRKDC protein (p.Lys3464Thr).